The following is an entry in ClinVar:

NM_001953.5(TYMP):c.865_889dup (p.Ala297fs)

Gene: TYMP (thymidine phosphorylase; minus strand). Cytogenetic location: 22q13.33.
Variant type: Duplication.
Coding change: c.865_889dup on transcript NM_001953.5 (MANE Select); coding-DNA positions 865 to 889, 25 bases duplicated (GAGGCGCTGCTCTGCATGGACGGCG).
Protein change: p.Ala297fs; shifts the reading frame from alanine 297.
Molecular consequence: frameshift variant.
Genome position (GRCh38, 1-based): chr22:50,526,615-50,526,639, CGCCGTCCATGCAGAGCAGCGCCTC duplicated on the plus strand (GAGGCGCTGCTCTGCATGGACGGCG on the coding strand, the reverse complement: TYMP is on the minus strand); duplicating any 25 consecutive bases within chr22:50,526,615-50,526,640 gives the same sequence; the c. name uses the placement nearest the transcript's 3' end. VCF-style (leftmost placement, unchanged base first): chr22-50526614-G-GCGCCGTCCATGCAGAGCAGCGCCTC. GRCh37 (hg19) VCF-style: chr22-50965043-G-GCGCCGTCCATGCAGAGCAGCGCCTC.
Other names: c.865_889dupGAGGCGCTGCTCTGCATGGACGGCG (NM_001953.4); c.865_889dup, p.Ala297fs (NM_001113755.3, NM_001113756.3, NM_001257988.1 and 1 more transcripts); short protein forms A297fs.
Identifiers: ClinVar variation 4739353 (VCV004739353.2).

ClinVar aggregate classification (germline): Pathogenic/Likely pathogenic. Review status: criteria provided, multiple submitters, no conflicts (2 of 4 stars). 2 submissions from 2 submitters: Pathogenic (1); Likely pathogenic (1). Last evaluated 2025-12-03.

Conditions:
Mitochondrial neurogastrointestinal encephalomyopathy. Also called: Mitochondrial neurogastrointestinal encephalopathy syndrome; MNGIE syndrome; Thymidine phosphorylase deficiency. Identifiers: Orphanet 298, MedGen C0872218, MONDO:0017575.

Submissions (2):

Labcorp Genetics (formerly Invitae), Labcorp
Classification: Pathogenic. Last evaluated: 2025-12-03. Review status: criteria provided, single submitter. Criteria: Invitae Variant Classification Sherloc (09022015). Collection method: clinical testing. Allele origin: germline.
Comment: This sequence change is expected to alter the c-terminus of the TYMP protein (p.Ala297Glyfs*). While this is not anticipated to result in nonsense mediated decay, it is expected to disrupt the last 186 amino acid(s) of the TYMP protein and extend the protein by an uncertain number of additional amino acid residues. This variant is not present in population databases (gnomAD no frequency). This variant has not been reported in the literature in individuals affected with TYMP-related conditions. This variant disrupts a region of the TYMP protein in which other variant(s) (p.Leu347Pro) have been determined to be pathogenic (PMID: 23590577; internal data). This suggests that this is a clinically significant region of the protein, and that variants that disrupt it are likely to be disease-causing. For these reasons, this variant has been classified as Pathogenic.

Natera, Inc.
Classification: Likely pathogenic for Mitochondrial neurogastrointestinal encephalomyopathy. Last evaluated: 2025-01-08. Review status: criteria provided, single submitter. Criteria: Natera Variant Classification Schema (03/2026). Collection method: clinical testing. Allele origin: germline.
Comment: The c.865_889dupGAGGCGCTGCTCTGCATGGACGGCG variant in TYMP is a frameshift variant predicted to elongate the protein beyond the termination codon. This variant is expected to result in nonsense mediated decay, truncation, or a dysfunctional protein product. This variant is rare in the general population with a frequency below the threshold expected for the associated phenotype(s). Given the available evidence, this variant is classified as Likely Pathogenic.

Literature cited by the submitters: PubMed 23590577 (cited by Labcorp Genetics (formerly Invitae), Labcorp).